The following is an entry in ClinVar:

ClinVar aggregate classification (germline): Uncertain significance. Review status: criteria provided, multiple submitters, no conflicts (2 of 4 stars). 2 submissions from 2 submitters: Uncertain significance (2). Last evaluated 2026-07-03.

Conditions:
Inborn genetic diseases. Identifiers: MedGen C0950123, MeSH D030342.

Allele frequency attached by ClinVar (database versions not stated): gnomAD exomes 0.00001; ExAC 0.00001.
gnomAD v4.1: 10 of 1,613,808 alleles (0.00062%); highest among the groups gnomAD compares: Admixed American, 0.005%; no homozygotes.

Submissions (2):

Ambry Genetics
Classification: Uncertain significance for Inborn genetic diseases. Last evaluated: 2026-07-03. Review status: criteria provided, single submitter. Criteria: Ambry Variant Classification Scheme 2023. Collection method: clinical testing. Allele origin: germline.
Comment: The c.5543G>A (p.R1848H) alteration is located in exon 35 (coding exon 35) of the CAD gene. This alteration results from a G to A substitution at nucleotide position 5543, causing the arginine (R) at amino acid position 1848 to be replaced by a histidine (H). Based on data from gnomAD, the A allele has an overall frequency of 0.001% (3/251474) total alleles studied. The highest observed frequency was 0.009% (3/34582) of Latino alleles. Based on insufficient or conflicting evidence, the clinical significance of this alteration remains unclear.

Labcorp Genetics (formerly Invitae), Labcorp
Classification: Uncertain significance. Last evaluated: 2022-07-01. Review status: criteria provided, single submitter. Criteria: Invitae Variant Classification Sherloc (09022015). Collection method: clinical testing. Allele origin: germline.
Comment: In summary, the available evidence is currently insufficient to determine the role of this variant in disease. Therefore, it has been classified as a Variant of Uncertain Significance. Algorithms developed to predict the effect of missense changes on protein structure and function are either unavailable or do not agree on the potential impact of this missense change (SIFT: "Tolerated"; PolyPhen-2: "Possibly Damaging"; Align-GVGD: "Class C0"). This variant has not been reported in the literature in individuals affected with CAD-related conditions. This variant is present in population databases (rs760188713, gnomAD 0.009%). This sequence change replaces arginine, which is basic and polar, with histidine, which is basic and polar, at codon 1848 of the CAD protein (p.Arg1848His).

NM_004341.5(CAD):c.5543G>A (p.Arg1848His)

Gene: CAD (carbamoyl-phosphate synthetase 2, aspartate transcarbamylase, and dihydroorotase; plus strand). Cytogenetic location: 2p23.3.
Variant type: single nucleotide variant.
Coding change: c.5543G>A on transcript NM_004341.5 (MANE Select); coding-DNA position 5543, G replaced by A.
Protein change: p.Arg1848His; replaces arginine 1848 with histidine.
Molecular consequence: missense variant.
Genome position (GRCh38, 1-based): chr2:27,240,311, G>A. VCF-style: chr2-27240311-G-A. GRCh37 (hg19) VCF-style: chr2-27463179-G-A.
Other names: c.5543G>A (NM_004341.3); c.5354G>A, p.Arg1785His (NM_001306079.2); short protein forms R1848H, R1785H.
Identifiers: ClinVar variation 2053554 (VCV002053554.3), dbSNP rs760188713, ClinGen allele CA1573918.
Genomic context (GRCh38, chr2:27,240,311, plus strand): 5'-CGTTATCCCTCCAGACACCTGAAAGACCCCGCCGTGGCATCCCAGGGCTTCCTGATGGCC[G>A]CTTCCATCTGCCGCCCCGAATCCATCGAGCCTCCGACCCAGGTTTGCCAGGTAAGAGTGG-3'
Protein context (NP_004332.2, residues 1838-1858): RRGIPGLPDG[Arg1848His]FHLPPRIHRA